The following is an entry in ClinVar:

ClinVar aggregate classification (germline): Likely pathogenic (1 of 4 stars; one submission).

Submission:

Labcorp Genetics (formerly Invitae), Labcorp
Classification: Likely pathogenic. Last evaluated: 2021-09-03. Review status: criteria provided, single submitter. Criteria: Invitae Variant Classification Sherloc (09022015). Collection method: clinical testing. Allele origin: germline.
Comment: In summary, the currently available evidence indicates that the variant is pathogenic, but additional data are needed to prove that conclusively. Therefore, this variant has been classified as Likely Pathogenic. This variant has not been reported in the literature in individuals affected with CERKL-related conditions. This variant results in the deletion of part of exon 2 (c.414_481+1799del) of the CERKL gene. It is expected to disrupt RNA splicing. Variants that disrupt the donor or acceptor splice site typically lead to a loss of protein function (PMID: 16199547), and loss-of-function variants in CERKL are known to be pathogenic (PMID: 14681825, 24043777).

Literature cited by the submitters: PubMed 16199547; PubMed 14681825; PubMed 24043777.

NC_000002.11:g.(?_182466765)_(182468631_?)del

Gene: CERKL (ceramide kinase like; minus strand). Cytogenetic location: 2q31.3.
Variant type: Deletion.
Identifiers: ClinVar variation 1501279 (VCV001501279.4).